The following is an entry in ClinVar:

NM_033305.3(VPS13A):c.8472-12C>T

Gene: VPS13A (vacuolar protein sorting 13 homolog A; plus strand). Cytogenetic location: 9q21.2.
Variant type: single nucleotide variant.
Coding change: c.8472-12C>T on transcript NM_033305.3 (MANE Select); 12 bases into the intron before coding-DNA position 8472, C replaced by T.
Molecular consequence: intron variant.
Genome position (GRCh38, 1-based): chr9:77,368,043, C>T. VCF-style: chr9-77368043-C-T. GRCh37 (hg19) VCF-style: chr9-79982959-C-T.
Other names: c.8355-12C>T (NM_001018037.2); c.8472-12C>T (NM_015186.4, NM_001018038.3).
Identifiers: ClinVar variation 913624 (VCV000913624.41), dbSNP rs115077471, ClinGen allele CA5093662.

ClinVar aggregate classification (germline): Benign/Likely benign. Review status: criteria provided, multiple submitters, no conflicts (2 of 4 stars). 5 submissions from 5 submitters: Benign (3); Likely benign (2). Last evaluated 2026-09-01.

Conditions:
VPS13A-related neurodegenerative disease. Also called: Choreaacanthocytosis; Choreoacanthocytosis; Chorea-acanthocytosis; VPS13A Disease; LEVINE-CRITCHLEY SYNDROME; ACANTHOCYTOSIS WITH NEUROLOGIC DISORDER. Identifiers: Orphanet 2388, MedGen C0393576, MONDO:0008695, OMIM 200150.

Allele frequency attached by ClinVar (database versions not stated): 1000 Genomes Project 30x 0.00547; 1000 Genomes Project 0.00579; gnomAD exomes 0.00628 and 0.00645; TOPMed 0.00639; gnomAD 0.00651 and 0.00652; ESP Exome Variant Server 0.00654; ExAC 0.01052.

Submissions (5):

CeGaT Center for Human Genetics Tuebingen
Classification: Benign. Last evaluated: 2026-09-01. Review status: criteria provided, single submitter. Criteria: CeGaT Center For Human Genetics Tuebingen Variant Classification Criteria Version 2. Collection method: clinical testing. Allele origin: germline. Affected: yes. Observed: 14 variant alleles.
Comment: VPS13A: BS1, BS2

Labcorp Genetics (formerly Invitae), Labcorp
Classification: Benign. Last evaluated: 2026-02-01. Review status: criteria provided, single submitter. Criteria: Invitae Variant Classification Sherloc (09022015). Collection method: clinical testing. Allele origin: germline.

GeneDx
Classification: Likely benign. Last evaluated: 2021-07-07. Review status: criteria provided, single submitter. Criteria: GeneDx Variant Classification Process June 2021. Collection method: clinical testing. Allele origin: germline. Affected: yes.

Illumina Laboratory Services, Illumina
Classification: Benign for VPS13A-related neurodegenerative disease. Last evaluated: 2018-01-13. Review status: criteria provided, single submitter. Criteria: ICSL Variant Classification Criteria 13 December 2019. Collection method: clinical testing. Allele origin: germline.
Comment: This variant was observed in the ICSL laboratory as part of a predisposition screen in an ostensibly healthy population. It had not been previously curated by ICSL or reported in the Human Gene Mutation Database (HGMD: prior to June 1st, 2018), and was therefore a candidate for classification through an automated scoring system. Utilizing variant allele frequency, disease prevalence and penetrance estimates, and inheritance mode, an automated score was calculated to assess if this variant is too frequent to cause the disease. Based on the score and internal cut-off values, a variant classified as benign is not then subjected to further curation. The score for this variant resulted in a classification of benign for this disease.

Breakthrough Genomics
Classification: Likely benign. Review status: criteria provided, single submitter. Criteria: ACMG Guidelines, 2015. Collection method: not provided. Allele origin: germline. Inheritance: Autosomal recessive inheritance. Affected: yes.